The following is an entry in ClinVar:

NM_004991.4(MECOM):c.3686A>C (p.Glu1229Ala)

Gene: MECOM (MDS1 and EVI1 complex locus; minus strand). Cytogenetic location: 3q26.2.
Variant type: single nucleotide variant.
Coding change: c.3686A>C on transcript NM_004991.4 (MANE Select); coding-DNA position 3686, A replaced by C.
Protein change: p.Glu1229Ala; replaces glutamic acid 1229 with alanine.
Molecular consequence: missense variant.
Genome position (GRCh38, 1-based): chr3:169,084,943, T>G on the plus strand (A>C on the coding strand, the complement: MECOM is on the minus strand). VCF-style: chr3-169084943-T-G. GRCh37 (hg19) VCF-style: chr3-168802731-T-G.
Other names: c.3317A>C, p.Glu1106Ala (NM_001105077.4); c.3122A>C, p.Glu1041Ala (NM_001105078.4, NM_001205194.2, NM_001366469.2 and 1 more transcripts); c.3098A>C, p.Glu1033Ala (NM_001163999.2, NM_001366470.2); c.3095A>C, p.Glu1032Ala (NM_001164000.2, NM_001366471.2, NM_001366472.2); c.3659A>C, p.Glu1220Ala (NM_001366466.2); c.3125A>C, p.Glu1042Ala (NM_001366467.2, NM_001366468.2); c.2687A>C, p.Glu896Ala (NM_001366473.2); c.2123A>C, p.Glu708Ala (NM_001366474.2); short protein forms E1032A, E1033A, E1041A, E1042A, E1106A, E1220A, E1229A, E708A.
Identifiers: ClinVar variation 4859812 (VCV004859812.1).
Genomic context (GRCh38, chr3:169,084,943, plus strand): 5'-TCCCACTCTGGTCAACCTTGATAACGTCATACGTGGCTTATGGACTGGATAGCACTGGAT[T>G]CCGCCGCAGCCCTGGCCATACTGTGCCACACGTTGGAAGAACTGTGGGATGTAGAATGGA-3'
Protein context (NP_004982.2, residues 1219-1239): VWHSMARAAA[Glu1229Ala]SSAIQSISHV

ClinVar aggregate classification (germline): Uncertain significance (1 of 4 stars; one submission).

Conditions:
Inborn genetic diseases. Identifiers: MedGen C0950123, MeSH D030342.

Submission:

Ambry Genetics
Classification: Uncertain significance for Inborn genetic diseases. Last evaluated: 2026-06-08. Review status: criteria provided, single submitter. Criteria: Ambry Variant Classification Scheme 2023. Collection method: clinical testing. Allele origin: germline.
Comment: The p.E1229A variant (also known as c.3686A>C), located in coding exon 17 of the MECOM gene, results from an A to C substitution at nucleotide position 3686. The glutamic acid at codon 1229 is replaced by alanine, an amino acid with dissimilar properties. This amino acid position is conserved. In addition, this alteration is predicted to be tolerated by in silico analysis. Based on the available evidence, the clinical significance of this variant remains unclear.